The following is an entry in ClinVar:

ClinVar aggregate classification (germline): Conflicting classifications of pathogenicity. Review status: criteria provided, conflicting classifications (1 of 4 stars). 3 submissions from 3 submitters: Uncertain significance (1); Likely benign (1). 1 of the submissions does not count toward it. Last evaluated 2025-01-18.

Conditions:
DNAAF1-related disorder. Also called: DNAAF1-related condition.
Primary ciliary dyskinesia 13. Also called: CILIARY DYSKINESIA, PRIMARY, 13, WITH OR WITHOUT SITUS INVERSUS. Identifiers: Orphanet 244, MedGen C2750790, MONDO:0013174, OMIM 613193.
Primary ciliary dyskinesia. Also called: Ciliary dyskinesia. Identifiers: Orphanet 244, MedGen C0008780, MONDO:0016575, HP:0012265.

Allele frequency attached by ClinVar (database versions not stated): gnomAD 0.00011; gnomAD exomes 0.00012; TOPMed 0.00012; ExAC 0.00014.
gnomAD v4.1: 130 of 1,613,062 alleles (0.0081%); highest among the groups gnomAD compares: Non-Finnish European, 0.0024%; no homozygotes.

Submissions (3):

Labcorp Genetics (formerly Invitae), Labcorp
Classification: Likely benign for Primary ciliary dyskinesia. Last evaluated: 2025-01-18. Review status: criteria provided, single submitter. Criteria: Invitae Variant Classification Sherloc (09022015). Collection method: clinical testing. Allele origin: germline.

Illumina Laboratory Services, Illumina
Classification: Uncertain significance for Primary ciliary dyskinesia 13. Last evaluated: 2018-01-15. Review status: criteria provided, single submitter. Criteria: ICSL Variant Classification Criteria 13 December 2019. Collection method: clinical testing. Allele origin: germline.

PreventionGenetics, part of Exact Sciences
Classification: Likely benign for DNAAF1-related condition. Last evaluated: 2024-02-08. Review status: no assertion criteria provided. Collection method: clinical testing. Allele origin: germline. Not counted in ClinVar's aggregate classification.
Comment: This variant is classified as likely benign based on ACMG/AMP sequence variant interpretation guidelines (Richards et al. 2015 PMID: 25741868, with internal and published modifications).

NM_178452.6(DNAAF1):c.2065+5G>A

Gene: DNAAF1 (dynein axonemal assembly factor 1; plus strand). Cytogenetic location: 16q24.1.
Variant type: single nucleotide variant.
Coding change: c.2065+5G>A on transcript NM_178452.6 (MANE Select); 5 bases into the intron after coding-DNA position 2065, G replaced by A.
Molecular consequence: intron variant.
Genome position (GRCh38, 1-based): chr16:84,176,304, G>A. VCF-style: chr16-84176304-G-A. GRCh37 (hg19) VCF-style: chr16-84209910-G-A.
Other names: c.2065+5G>A (NM_178452.5); c.1357+5G>A (NM_001318756.1).
Identifiers: ClinVar variation 696289 (VCV000696289.15), dbSNP rs774606576, ClinGen allele CA8203098.